The following is an entry in ClinVar:

NM_024675.4(PALB2):c.2032del (p.Leu678fs)

Gene: PALB2 (partner and localizer of BRCA2; minus strand). Cytogenetic location: 16p12.2.
Variant type: Deletion.
Coding change: c.2032del on transcript NM_024675.4 (MANE Select); coding-DNA position 2032, one base deleted (C; older notation c.2032delC).
Protein change: p.Leu678fs; shifts the reading frame from leucine 678.
Molecular consequence: frameshift variant.
Genome position (GRCh38, 1-based): chr16:23,630,122, G deleted on the plus strand (C on the coding strand, the reverse complement: PALB2 is on the minus strand). VCF-style (leftmost placement, unchanged base first): chr16-23630121-AG-A. GRCh37 (hg19) VCF-style: chr16-23641442-AG-A.
Other names: c.2032delC (NM_024675.3); short protein forms L678fs.
Identifiers: ClinVar variation 182739 (VCV000182739.21), dbSNP rs730881866, ClinGen allele CA299661.

ClinVar aggregate classification (germline): Pathogenic. Review status: criteria provided, multiple submitters, no conflicts (2 of 4 stars). 7 submissions from 7 submitters: Pathogenic (7). Last evaluated 2025-11-17.

Conditions:
Hereditary cancer-predisposing syndrome. Also called: Tumor predisposition; Hereditary Cancer Syndrome; Hereditary neoplastic syndrome; Neoplastic Syndromes, Hereditary. Identifiers: Orphanet 140162, MedGen C0027672, MeSH D009386, MONDO:0015356.
Familial cancer of breast. Also called: BREAST CANCER, FAMILIAL; Hereditary breast cancer; hereditary breast carcinoma. Identifiers: Orphanet 227535, MedGen C0346153, MONDO:0016419, OMIM 114480. Disease mechanism: loss of function.

Submissions (7):

Labcorp Genetics (formerly Invitae), Labcorp
Classification: Pathogenic for Familial cancer of breast. Last evaluated: 2025-11-17. Review status: criteria provided, single submitter. Criteria: Invitae Variant Classification Sherloc (09022015). Collection method: clinical testing. Allele origin: germline.
Comment: This sequence change creates a premature translational stop signal (p.Leu678Tyrfs*31) in the PALB2 gene. It is expected to result in an absent or disrupted protein product. Loss-of-function variants in PALB2 are known to be pathogenic (PMID: 17200668, 17200671, 17200672, 24136930, 25099575). This variant is not present in population databases (gnomAD no frequency). This variant has not been reported in the literature in individuals affected with PALB2-related conditions. ClinVar contains an entry for this variant (Variation ID: 182739). For these reasons, this variant has been classified as Pathogenic.

Institute of Medical Genetics and Applied Genomics, University Hospital Tübingen
Classification: Pathogenic for Familial cancer of breast. Last evaluated: 2024-02-08. Review status: criteria provided, single submitter. Criteria: ACMG Guidelines, 2015. Collection method: clinical testing. Allele origin: germline. Inheritance: Autosomal dominant inheritance. Affected: yes.

Baylor Genetics
Classification: Pathogenic for Familial cancer of breast. Last evaluated: 2023-11-21. Review status: criteria provided, single submitter. Criteria: ACMG Guidelines, 2015. Collection method: clinical testing. Allele origin: unknown.

Myriad Genetics, Inc.
Classification: Pathogenic for Familial cancer of breast. Last evaluated: 2023-09-12. Review status: criteria provided, single submitter. Criteria: Myriad Autosomal Dominant, Autosomal Recessive and X-Linked Classification Criteria (2023). Collection method: clinical testing. Allele origin: unknown.
Comment: This variant is considered pathogenic. This variant creates a frameshift predicted to result in premature protein truncation.

Ambry Genetics
Classification: Pathogenic for Hereditary cancer-predisposing syndrome. Last evaluated: 2023-08-11. Review status: criteria provided, single submitter. Criteria: Ambry Variant Classification Scheme 2023. Collection method: clinical testing. Allele origin: germline.
Comment: The c.2032delC pathogenic mutation, located in coding exon 5 of the PALB2 gene, results from a deletion of one nucleotide at nucleotide position 2032, causing a translational frameshift with a predicted alternate stop codon (p.L678Yfs*31). This alteration is expected to result in loss of function by premature protein truncation or nonsense-mediated mRNA decay. As such, this alteration is interpreted as a disease-causing mutation.

Color Diagnostics, LLC DBA Color Health
Classification: Pathogenic for Hereditary cancer-predisposing syndrome. Last evaluated: 2021-02-16. Review status: criteria provided, single submitter. Criteria: ACMG Guidelines, 2015. Collection method: clinical testing. Allele origin: germline.
Comment: This variant deletes 1 nucleotide in exon 5 of the PALB2 gene, creating a frameshift and premature translation stop signal. This variant is expected to result in an absent or non-functional protein product. To our knowledge, this variant has not been reported in individuals affected with hereditary cancer in the literature. This variant has not been identified in the general population by the Genome Aggregation Database (gnomAD). Loss of PALB2 function is a known mechanism of disease. Based on the available evidence, this variant is classified as Pathogenic.

GeneDx
Classification: Pathogenic. Last evaluated: 2015-08-29. Review status: criteria provided, single submitter. Criteria: GeneDx Variant Classification (06012015). Collection method: clinical testing. Allele origin: germline. Affected: yes.
Comment: This deletion of one nucleotide is denoted PALB2 c.2032delC at the cDNA level and p.Leu678TyrfsX31 (L678YfsX31) at the protein level. The normal sequence, with the base that is deleted in brackets, is TGTT[C]TACC. The deletion causes a frameshift, which changes a Leucine to a Tyrosine at codon 678, and creates a premature stop codon at position 31 of the new reading frame. Although this variant has not, to our knowledge, been reported in the literature, it is predicted to cause loss of normal protein function through either protein truncation or nonsense-mediated mRNA decay. we consider this variant to be pathogenic.

Literature cited by the submitters: PubMed 17200668 (cited by Labcorp Genetics (formerly Invitae), Labcorp); PubMed 17200671 (cited by Labcorp Genetics (formerly Invitae), Labcorp); PubMed 17200672 (cited by Labcorp Genetics (formerly Invitae), Labcorp); PubMed 24136930 (cited by Labcorp Genetics (formerly Invitae), Labcorp); PubMed 25099575 (cited by Labcorp Genetics (formerly Invitae), Labcorp).